The following is an entry in ClinVar:

ClinVar aggregate classification (germline): Uncertain significance (1 of 4 stars; one submission).

Conditions:
Intellectual disability-facial dysmorphism syndrome due to SETD5 haploinsufficiency (MRD23). Also called: Intellectual developmental disorder, autosomal dominant 23. Identifiers: Orphanet 404440, MedGen C3810406, MONDO:0014336, OMIM 615761.

Submission:

Centre for Mendelian Genomics, University Medical Centre Ljubljana
Classification: Uncertain significance for Intellectual disability-facial dysmorphism syndrome due to SETD5 haploinsufficiency. Last evaluated: 2019-02-14. Review status: criteria provided, single submitter. Criteria: ACMG Guidelines, 2015. Collection method: clinical testing. Allele origin: unknown. Affected: yes.
Comment: This variant was classified as: Uncertain significance. The available evidence favors the pathogenic nature of this variant, however the currently available data is insufficient to conclusively support its pathogenic nature. Thus this variant is classified as Uncertain significance - favor pathogenic. The following ACMG criteria were applied in classifying this variant: PM2,PP3.

NM_001080517.3(SETD5):c.73C>G (p.Pro25Ala)

Gene: SETD5 (SET domain containing 5; plus strand). Cytogenetic location: 3p25.3.
Variant type: single nucleotide variant.
Coding change: c.73C>G on transcript NM_001080517.3 (MANE Select); coding-DNA position 73, C replaced by G.
Protein change: p.Pro25Ala; replaces proline 25 with alanine.
Molecular consequence: missense variant. On other transcripts: 5 prime UTR variant (2).
Genome position (GRCh38, 1-based): chr3:9,433,846, C>G. VCF-style: chr3-9433846-C-G. GRCh37 (hg19) VCF-style: chr3-9475530-C-G.
Other names: c.-261C>G (NM_001292043.2); c.-302C>G (NM_001349451.2); short protein forms P25A.
Identifiers: ClinVar variation 930414 (VCV000930414.3), dbSNP rs2040256204, ClinGen allele CA351681028.